The following is an entry in ClinVar:

NM_207346.3(TSEN54):c.789_798del (p.Leu264fs)

Gene: TSEN54 (tRNA splicing endonuclease subunit 54; plus strand). Cytogenetic location: 17q25.1.
Variant type: Deletion.
Coding change: c.789_798del on transcript NM_207346.3 (MANE Select); coding-DNA positions 789 to 798, 10 bases deleted (CCTGGGCCCC; older notation c.789_798delCCTGGGCCCC).
Protein change: p.Leu264fs; shifts the reading frame from leucine 264.
Molecular consequence: frameshift variant.
Genome position (GRCh38, 1-based): chr17:75,521,870-75,521,879, CCTGGGCCCC deleted; deleting any 10 consecutive bases within chr17:75,521,869-75,521,879 gives the same sequence; the c. name uses the placement nearest the transcript's 3' end. VCF-style (leftmost placement, unchanged base first): chr17-75521868-TCCCTGGGCCC-T. GRCh37 (hg19) VCF-style: chr17-73517949-TCCCTGGGCCC-T.
Other names: c.789_798del (NM_207346.2); short protein forms L264fs.
Identifiers: ClinVar variation 2434304 (VCV002434304.9), dbSNP rs2053430432, ClinGen allele CA502046148.
Genomic context (GRCh38, chr17:75,521,868, plus strand): 5'-GAGAAACCCCAGGAGTCAAGCCCCATGAAGGGCCCAGGGGGCCCCTTTCAGCTTCTGGGG[TCCCTGGGCCC>T]CAGCCCTGGCCCGGCCAGGGAGGGGGTGGGGTGCAGCTGGGAGAGTGGCAGAGCCGAGAA-3'

ClinVar aggregate classification (germline): Pathogenic/Likely pathogenic. Review status: criteria provided, multiple submitters, no conflicts (2 of 4 stars). 5 submissions from 5 submitters: Pathogenic (1); Likely pathogenic (4). Last evaluated 2025-06-03.

Conditions:
Pontocerebellar hypoplasia type 5 (PCH5). Also called: Pontocerebellar Hypoplasia Type 5 (PCH5). Identifiers: Orphanet 166068, MedGen C1857762, MONDO:0012438, OMIM 610204.
Pontocerebellar hypoplasia type 4 (PCH4). Also called: Pontocerebellar Hypoplasia Type 4 (PCH4). Identifiers: Orphanet 166063, MedGen C1856974, MONDO:0009166, OMIM 225753.
Pontocerebellar hypoplasia type 2A (PCH2A). Also called: PONTOCEREBELLAR HYPOPLASIA WITH PROGRESSIVE CEREBRAL ATROPHY; VOLENDAM NEURODEGENERATIVE DISEASE. Identifiers: Orphanet 2524, MedGen C1848526, MONDO:0010190, OMIM 277470.

Submissions (5):

Labcorp Genetics (formerly Invitae), Labcorp
Classification: Pathogenic. Last evaluated: 2025-06-03. Review status: criteria provided, single submitter. Criteria: Invitae Variant Classification Sherloc (09022015). Collection method: clinical testing. Allele origin: germline.
Comment: This sequence change creates a premature translational stop signal (p.Leu264Alafs*75) in the TSEN54 gene. It is expected to result in an absent or disrupted protein product. Loss-of-function variants in TSEN54 are known to be pathogenic (PMID: 18711368, 20952379). This variant is not present in population databases (gnomAD no frequency). This variant has not been reported in the literature in individuals affected with TSEN54-related conditions. ClinVar contains an entry for this variant (Variation ID: 2434304). For these reasons, this variant has been classified as Pathogenic.

Variantyx, Inc.
Classification: Likely pathogenic for Pontocerebellar hypoplasia type 2A. Last evaluated: 2025-05-06. Review status: criteria provided, single submitter. Criteria: Variantyx Assertion Criteria 2022. Collection method: clinical testing. Allele origin: germline. Inheritance: Autosomal recessive inheritance. Affected: no.
Comment: This is a frameshift variant in the TSEN54 gene (OMIM: 608755). Pathogenic variants in this gene have been associated with autosomal recessive pontocerebellar hypoplasia type 2A (PCH2A). This vamaximum allele frequency in non-founder control populations is 0.0004% (PM2). Based on the current evidence, this variant is classified as likely pathogenic for autosomal recessive pontocerebellar hypoplasia type 2A (PCH2A).

GeneDx
Classification: Likely pathogenic. Last evaluated: 2024-11-25. Review status: criteria provided, single submitter. Criteria: GeneDx Variant Classification Process June 2021. Collection method: clinical testing. Allele origin: germline. Affected: yes.
Comment: Frameshift variant predicted to result in protein truncation or nonsense mediated decay in a gene for which loss of function is a known mechanism of disease; Not observed at significant frequency in large population cohorts (gnomAD); Has not been previously published as pathogenic or benign to our knowledge

Fulgent Genetics
Classification: Likely pathogenic for Pontocerebellar hypoplasia type 4; Pontocerebellar hypoplasia type 2A; Pontocerebellar hypoplasia type 5. Last evaluated: 2024-06-13. Review status: criteria provided, single submitter. Criteria: ACMG Guidelines, 2015. Collection method: clinical testing. Allele origin: germline.

Revvity Omics, Revvity
Classification: Likely pathogenic. Last evaluated: 2021-11-22. Review status: criteria provided, single submitter. Criteria: ACMG Guidelines, 2015. Collection method: clinical testing. Allele origin: germline.

Literature cited by the submitters: PubMed 18711368 (cited by Labcorp Genetics (formerly Invitae), Labcorp and Variantyx, Inc.); PubMed 20952379 (cited by Labcorp Genetics (formerly Invitae), Labcorp and Variantyx, Inc.).